The following is an entry in ClinVar:

NM_017514.5(PLXNA3):c.315G>A (p.Ala105=)

Gene: PLXNA3 (plexin A3; plus strand). Cytogenetic location: Xq28.
Variant type: single nucleotide variant.
Coding change: c.315G>A on transcript NM_017514.5 (MANE Select); coding-DNA position 315, G replaced by A.
Protein change: p.Ala105=; no amino-acid change (alanine 105 retained).
Molecular consequence: synonymous variant.
Genome position (GRCh38, 1-based): chrX:154,460,498, G>A. VCF-style: chrX-154460498-G-A. GRCh37 (hg19) VCF-style: chrX-153688838-G-A.
Identifiers: ClinVar variation 3041028 (VCV003041028.2), dbSNP rs369833329, ClinGen allele CA10563659.
Genomic context (GRCh38, chrX:154,460,498, plus strand): 5'-GTGTGCCCACCGCCTGGCCCCCGTGGACAACATCAACAAGCTGCTGCTCATAGACTATGC[G>A]GCCCGCCGCCTGGTGGCCTGCGGCAGCATCTGGCAGGGCATCTGCCAGTTCCTGCGTCTG-3'
Protein context (NP_059984.3, residues 95-115): NINKLLLIDY[Ala105=]ARRLVACGSI

ClinVar aggregate classification (germline): Likely benign (0 of 4 stars; one submission).

Conditions:
PLXNA3-related disorder. Also called: PLXNA3-related condition.

Allele frequency attached by ClinVar (database versions not stated): ESP Exome Variant Server 0.00019; gnomAD exomes 0.00023; 1000 Genomes Project 0.00026; 1000 Genomes Project 30x 0.00042.

Submission:

PreventionGenetics, part of Exact Sciences
Classification: Likely benign for PLXNA3-related condition. Last evaluated: 2019-09-19. Review status: no assertion criteria provided. Collection method: clinical testing. Allele origin: germline.
Comment: This variant is classified as likely benign based on ACMG/AMP sequence variant interpretation guidelines (Richards et al. 2015 PMID: 25741868, with internal and published modifications).